The following is an entry in ClinVar:

NM_173477.5(USH1G):c.734C>T (p.Ser245Leu)

Gene: USH1G (USH1 protein network component sans; minus strand). Cytogenetic location: 17q25.1.
Variant type: single nucleotide variant.
Coding change: c.734C>T on transcript NM_173477.5 (MANE Select); coding-DNA position 734, C replaced by T.
Protein change: p.Ser245Leu; replaces serine 245 with leucine.
Molecular consequence: missense variant.
Genome position (GRCh38, 1-based): chr17:74,920,102, G>A on the plus strand (C>T on the coding strand, the complement: USH1G is on the minus strand). VCF-style: chr17-74920102-G-A. GRCh37 (hg19) VCF-style: chr17-72916197-G-A.
Other names: c.425C>T, p.Ser142Leu (NM_001282489.3); short protein forms S245L, S142L.
Identifiers: ClinVar variation 48137 (VCV000048137.6), dbSNP rs397517928, ClinGen allele CA142666.

ClinVar aggregate classification (germline): Uncertain significance. Review status: criteria provided, multiple submitters, no conflicts (2 of 4 stars). 2 submissions from 2 submitters: Uncertain significance (2). Last evaluated 2018-06-14.

Allele frequency attached by ClinVar (database versions not stated): TOPMed below 0.00001; gnomAD 0.00001.

Submissions (2):

Blueprint Genetics
Classification: Uncertain significance. Last evaluated: 2018-06-14. Review status: criteria provided, single submitter. Criteria: ACMG Guidelines, 2015. Collection method: clinical testing. Allele origin: germline.

Laboratory for Molecular Medicine, Mass General Brigham Personalized Medicine
Classification: Uncertain significance. Last evaluated: 2011-02-17. Review status: criteria provided, single submitter. Criteria: LMM Criteria. Collection method: clinical testing. Allele origin: germline. Observed: 1 variant allele.
Comment: The Ser245Leu variant in USH1G has not been reported in the literature nor previ ously identified by our laboratory. This residue is conserved across species and computational analyses (PolyPhen2, SIFT, AlignGVGD) suggest that the Ser245Leu variant may impact the protein. However, this information is not predictive enou gh to assume pathogenicity. It should be noted that this lab has only sequenced the USH1G in 16 Asian individuals and no Asian healthy controls. In addition, he althy control information is unavailable from either public databases or scienti fic literature, such that the full spectrum of benign variation has not yet been defined for this population. Future analysis could reveal that the Ser245Leu va riant is common in this population and therefore unlikely to be pathogenic. In s ummary, the clinical significance of this variant cannot be determined with cert ainty at this time.